The following is an entry in ClinVar:

NM_001382567.1(STIM1):c.1873C>T (p.His625Tyr)

Genes: STIM1 (stromal interaction molecule 1; plus strand), LOC124418421 (Sharpr-MPRA regulatory region 9588; plus strand). Cytogenetic location: 11p15.4.
Variant type: single nucleotide variant.
Coding change: c.1873C>T on transcript NM_001382567.1 (MANE Select); coding-DNA position 1873, C replaced by T.
Protein change: p.His625Tyr; replaces histidine 625 with tyrosine.
Molecular consequence: missense variant. On other transcripts: 3 prime UTR variant (4), non-coding transcript variant (3).
Genome position (GRCh38, 1-based): chr11:4,091,520, C>T. VCF-style: chr11-4091520-C-T. GRCh37 (hg19) VCF-style: chr11-4112750-C-T.
Other names: c.2098C>T, p.His700Tyr (NM_001277961.3); c.*194C>T (NM_001277962.2, NM_001382578.1, NM_001382579.1 and 1 more transcripts); c.1876C>T, p.His626Tyr (NM_001382566.1); c.1801C>T, p.His601Tyr (NM_001382568.1); c.1645C>T, p.His549Tyr (NM_001382569.1); c.1552C>T, p.His518Tyr (NM_001382570.1); c.1300C>T, p.His434Tyr (NM_001382571.1); c.1558C>T, p.His520Tyr (NM_001382575.1, NM_001382576.1, NM_001382577.1); and 2 more; short protein forms H594Y, H700Y, H431Y, H434Y, H518Y, H520Y, H549Y, H601Y.
Identifiers: ClinVar variation 860940 (VCV000860940.11), dbSNP rs201838782, ClinGen allele CA5830626.

ClinVar aggregate classification (germline): Uncertain significance. Review status: criteria provided, multiple submitters, no conflicts (2 of 4 stars). 2 submissions from 2 submitters: Uncertain significance (2). Last evaluated 2025-12-16.

Conditions:
Stormorken syndrome (STRMK). Also called: THROMBOCYTOPATHY, ASPLENIA, AND MIOSIS. Identifiers: Orphanet 3204, MedGen C1861451, MONDO:0008497, OMIM 185070.
Combined immunodeficiency due to STIM1 deficiency. Also called: STIM1 DEFICIENCY; IMMUNODEFICIENCY 10. Identifiers: Orphanet 169090, Orphanet 317430, MedGen C2748557, MONDO:0013008, OMIM 612783.
Myopathy with tubular aggregates (TAM). Also called: Tubular Aggregate Myopathy. Identifiers: Orphanet 2593, MedGen C0410207, MONDO:0008051.
Inborn genetic diseases. Identifiers: MedGen C0950123, MeSH D030342.

Allele frequency attached by ClinVar (database versions not stated): ExAC 0.00001; gnomAD 0.00001; gnomAD exomes 0.00001 and 0.00002; TOPMed 0.00001.
gnomAD v4.1: 24 of 1,614,104 alleles (0.0015%); highest among the groups gnomAD compares: Non-Finnish European, 0.002%; no homozygotes.

Submissions (2):

Ambry Genetics
Classification: Uncertain significance for Inborn genetic diseases. Last evaluated: 2025-12-16. Review status: criteria provided, single submitter. Criteria: Ambry Variant Classification Scheme 2023. Collection method: clinical testing. Allele origin: germline.

Labcorp Genetics (formerly Invitae), Labcorp
Classification: Uncertain significance for Myopathy with tubular aggregates; Combined immunodeficiency due to STIM1 deficiency; Stormorken syndrome. Last evaluated: 2025-09-10. Review status: criteria provided, single submitter. Criteria: Invitae Variant Classification Sherloc (09022015). Collection method: clinical testing. Allele origin: germline.
Comment: This sequence change replaces histidine, which is basic and polar, with tyrosine, which is neutral and polar, at codon 594 of the STIM1 protein (p.His594Tyr). This variant is present in population databases (rs201838782, gnomAD 0.002%). This variant has not been reported in the literature in individuals affected with STIM1-related conditions. ClinVar contains an entry for this variant (Variation ID: 860940). Invitae Evidence Modeling of protein sequence and biophysical properties (such as structural, functional, and spatial information, amino acid conservation, physicochemical variation, residue mobility, and thermodynamic stability) indicates that this missense variant is not expected to disrupt STIM1 protein function with a negative predictive value of 95%. In summary, the available evidence is currently insufficient to determine the role of this variant in disease. Therefore, it has been classified as a Variant of Uncertain Significance.